The following is an entry in ClinVar:

ClinVar aggregate classification (germline): Likely benign (0 of 4 stars; one submission).

Conditions:
PTPRD-related disorder. Also called: PTPRD-related condition.

Allele frequency attached by ClinVar (database versions not stated): ESP Exome Variant Server 0.00015; 1000 Genomes Project 30x 0.00016; 1000 Genomes Project 0.00020; gnomAD exomes 0.00027; ExAC 0.00028; TOPMed 0.00029; gnomAD 0.00038.
gnomAD v4.1: 464 of 1,614,158 alleles (0.029%); highest among the groups gnomAD compares: Middle Eastern, 0.16%; no homozygotes.

Submission:

PreventionGenetics, part of Exact Sciences
Classification: Likely benign for PTPRD-related condition. Last evaluated: 2019-07-10. Review status: no assertion criteria provided. Collection method: clinical testing. Allele origin: germline.
Comment: This variant is classified as likely benign based on ACMG/AMP sequence variant interpretation guidelines (Richards et al. 2015 PMID: 25741868, with internal and published modifications).

NM_002839.4(PTPRD):c.1335T>C (p.Asn445=)

Gene: PTPRD (protein tyrosine phosphatase receptor type D; minus strand). Cytogenetic location: 9p24.1.
Variant type: single nucleotide variant.
Coding change: c.1335T>C on transcript NM_002839.4 (MANE Select); coding-DNA position 1335, T replaced by C.
Protein change: p.Asn445=; no amino-acid change (asparagine 445 retained).
Molecular consequence: synonymous variant.
Genome position (GRCh38, 1-based): chr9:8,518,056, A>G on the plus strand (T>C on the coding strand, the complement: PTPRD is on the minus strand). VCF-style: chr9-8518056-A-G. GRCh37 (hg19) VCF-style: chr9-8518056-A-G.
Other names: c.1326T>C, p.Asn442= (NM_001040712.2, NM_001377947.1); c.1305T>C, p.Asn435= (NM_001171025.2); c.1317T>C, p.Asn439= (NM_001377946.1, NM_130393.3); c.1335T>C, p.Asn445= (NM_001377958.1, NM_001378058.1, NM_130391.4 and 1 more transcripts).
Identifiers: ClinVar variation 3049694 (VCV003049694.2), dbSNP rs200537516, ClinGen allele CA4984547.